The following is an entry in ClinVar:

ClinVar aggregate classification (germline): Conflicting classifications of pathogenicity. Review status: criteria provided, conflicting classifications (1 of 4 stars). 4 submissions from 4 submitters: Uncertain significance (1); Likely benign (2). 1 of the submissions does not count toward it. Last evaluated 2025-11-01.

Conditions:
WRN-related disorder. Also called: WRN-related condition.
Werner syndrome (WRN). Identifiers: Orphanet 902, MedGen C0043119, MONDO:0010196, OMIM 277700.

Allele frequency attached by ClinVar (database versions not stated): gnomAD exomes 0.00003 and 0.00006; ExAC 0.00007; gnomAD 0.00007 and 0.00008; ESP Exome Variant Server 0.00008; TOPMed 0.00013; 1000 Genomes Project 0.00040; 1000 Genomes Project 30x 0.00047.
gnomAD v4.1: 66 of 1,611,346 alleles (0.0041%); highest among the groups gnomAD compares: Middle Eastern, 0.017%; no homozygotes.

Submissions (4):

Labcorp Genetics (formerly Invitae), Labcorp
Classification: Likely benign for Werner syndrome. Last evaluated: 2025-11-01. Review status: criteria provided, single submitter. Criteria: Invitae Variant Classification Sherloc (09022015). Collection method: clinical testing. Allele origin: germline.

Blueprint Genetics
Classification: Likely benign. Last evaluated: 2024-11-26. Review status: criteria provided, single submitter. Criteria: ACMG Guidelines, 2015. Collection method: clinical testing. Allele origin: germline.

Illumina Laboratory Services, Illumina
Classification: Uncertain significance for Werner syndrome. Last evaluated: 2018-01-12. Review status: criteria provided, single submitter. Criteria: ICSL Variant Classification Criteria 13 December 2019. Collection method: clinical testing. Allele origin: germline.

PreventionGenetics, part of Exact Sciences
Classification: Likely benign for WRN-related condition. Last evaluated: 2022-09-01. Review status: no assertion criteria provided. Collection method: clinical testing. Allele origin: germline. Not counted in ClinVar's aggregate classification.
Comment: This variant is classified as likely benign based on ACMG/AMP sequence variant interpretation guidelines (Richards et al. 2015 PMID: 25741868, with internal and published modifications).

NM_000553.6(WRN):c.1302G>A (p.Thr434=)

Gene: WRN (WRN RecQ like helicase; plus strand). Cytogenetic location: 8p12.
Variant type: single nucleotide variant.
Coding change: c.1302G>A on transcript NM_000553.6 (MANE Select); coding-DNA position 1302, G replaced by A.
Protein change: p.Thr434=; no amino-acid change (threonine 434 retained).
Molecular consequence: synonymous variant.
Genome position (GRCh38, 1-based): chr8:31,083,731, G>A. VCF-style: chr8-31083731-G-A. GRCh37 (hg19) VCF-style: chr8-30941247-G-A.
Identifiers: ClinVar variation 458380 (VCV000458380.18), dbSNP rs374140086, ClinGen allele CA4704307.